The following is an entry in ClinVar:

NM_000497.4(CYP11B1):c.473_476dup (p.Met160fs)

Genes: CYP11B1 (cytochrome P450 family 11 subfamily B member 1; minus strand), LOC106799833 (CYP11B1 recombination region; plus strand). Cytogenetic location: 8q24.3.
Variant type: Duplication.
Coding change: c.473_476dup on transcript NM_000497.4 (MANE Select); coding-DNA positions 473 to 476, 4 bases duplicated (TCCC; older notation c.473_476dupTCCC).
Protein change: p.Met160fs; shifts the reading frame from methionine 160.
Molecular consequence: frameshift variant.
Genome position (GRCh38, 1-based): chr8:142,877,142-142,877,145, GGGA duplicated on the plus strand (TCCC on the coding strand, the reverse complement: CYP11B1 is on the minus strand); duplicating any 4 consecutive bases within chr8:142,877,142-142,877,147 gives the same sequence; the c. name uses the placement nearest the transcript's 3' end. VCF-style (leftmost placement, unchanged base first): chr8-142877141-C-CGGGA. GRCh37 (hg19) VCF-style: chr8-143958557-C-CGGGA.
Other names: c.473_476dup, p.Met160fs (NM_001026213.1); short protein forms M160fs.
Identifiers: ClinVar variation 5014313 (VCV005014313.1).

ClinVar aggregate classification (germline): Pathogenic (1 of 4 stars; one submission).

Conditions:
Deficiency of steroid 11-beta-monooxygenase (CYP11B1). Also called: ADRENAL HYPERPLASIA, CONGENITAL, DUE TO STEROID 11-BETA-HYDROXYLASE DEFICIENCY; 11-BETA-HYDROXYLASE DEFICIENCY; ADRENAL HYPERPLASIA IV; P450C11B1 DEFICIENCY; STEROID 11-BETA-HYDROXYLASE DEFICIENCY; Congenital adrenal hyperplasia due to 11-beta-hydroxylase deficiency. Identifiers: Orphanet 90795, MedGen C0268292, MONDO:0008729, OMIM 202010. Disease mechanism: loss of function.

Submission:

Myriad Genetics, Inc.
Classification: Pathogenic for Deficiency of steroid 11-beta-monooxygenase. Last evaluated: 2025-04-07. Review status: criteria provided, single submitter. Criteria: Myriad Autosomal Dominant, Autosomal Recessive and X-Linked Classification Criteria (2023). Collection method: clinical testing. Allele origin: unknown.
Comment: NM_000497.3(CYP11B1):c.473_476dupTCCC(M160Pfs*100) is expected to be pathogenic in the context of congenital adrenal hyperplasia, CYP11B1-related. This variant is predicted to lead to an abnormal or absent protein product due to the creation of a premature termination codon in CYP11B1, a gene where loss-of-function variants are known to be pathogenic. Please note: this variant was assessed in the context of healthy population screening.